The following is an entry in ClinVar:

ClinVar aggregate classification (germline): Uncertain significance (1 of 4 stars; one submission).

gnomAD v4.1: 1 of 1,611,694 alleles (0.000062%); no homozygotes.

Submission:

Women's Health and Genetics/Laboratory Corporation of America, LabCorp
Classification: Uncertain significance. Last evaluated: 2025-11-25. Review status: criteria provided, single submitter. Criteria: LabCorp Variant Classification Summary - May 2015. Collection method: clinical testing. Allele origin: germline.
Comment: Variant summary: RELN c.1852C>T (p.Leu618Phe) results in a non-conservative amino acid change in the encoded protein sequence. Algorithms developed to predict the effect of missense changes on protein structure and function are either unavailable or do not agree on the potential impact of this missense change. The variant was absent in 250348 control chromosomes. The available data on variant occurrences in the general population are insufficient to allow any conclusion about variant significance. To our knowledge, no occurrence of c.1852C>T in individuals affected with RELN-related conditions and no experimental evidence demonstrating its impact on protein function have been reported. No submitters have cited clinical-significance assessments for this variant to ClinVar. Based on the evidence outlined above, the variant was classified as uncertain significance.

NM_005045.4(RELN):c.1852C>T (p.Leu618Phe)

Gene: RELN (reelin; minus strand). Cytogenetic location: 7q22.1.
Variant type: single nucleotide variant.
Coding change: c.1852C>T on transcript NM_005045.4 (MANE Select); coding-DNA position 1852, C replaced by T.
Protein change: p.Leu618Phe; replaces leucine 618 with phenylalanine.
Molecular consequence: missense variant.
Genome position (GRCh38, 1-based): chr7:103,651,701, G>A on the plus strand (C>T on the coding strand, the complement: RELN is on the minus strand). VCF-style: chr7-103651701-G-A. GRCh37 (hg19) VCF-style: chr7-103292148-G-A.
Other names: c.1852C>T, p.Leu618Phe (NM_173054.3); short protein forms L618F.
Identifiers: ClinVar variation 4537179 (VCV004537179.1).